The following is an entry in ClinVar:

NM_001397406.1(FDX2):c.299A>G (p.Asp100Gly)

Genes: FDX2 (ferredoxin 2; minus strand), FDX2-ZGLP1 (FDX2-ZGLP1 readthrough (NMD candidate); minus strand). Cytogenetic location: 19p13.2.
Variant type: single nucleotide variant.
Coding change: c.299A>G on transcript NM_001397406.1 (MANE Select); coding-DNA position 299, A replaced by G.
Protein change: p.Asp100Gly; replaces aspartic acid 100 with glycine.
Molecular consequence: missense variant. On other transcripts: non-coding transcript variant (2).
Genome position (GRCh38, 1-based): chr19:10,315,394, T>C on the plus strand (A>G on the coding strand, the complement: FDX2 is on the minus strand). VCF-style: chr19-10315394-T-C. GRCh37 (hg19) VCF-style: chr19-10426070-T-C.
Other names: p.Asp103Gly; c.308A>G (NM_001031734.4); short protein forms D100G.
Identifiers: ClinVar variation 1116790 (VCV001116790.18), dbSNP rs142729488, ClinGen allele CA9191256.

ClinVar aggregate classification (germline): Conflicting classifications of pathogenicity. Review status: criteria provided, conflicting classifications (1 of 4 stars). 5 submissions from 5 submitters: Uncertain significance (2); Likely benign (2). 1 of the submissions does not count toward it. Last evaluated 2026-01-27.

Conditions:
FDX2-related disorder. Also called: FDX2-related condition.

Allele frequency attached by ClinVar (database versions not stated): 1000 Genomes Project 30x 0.00281; gnomAD exomes 0.00015 and 0.00051; ExAC 0.00060; ESP Exome Variant Server 0.00146; gnomAD 0.00151 and 0.00160; TOPMed 0.00159; 1000 Genomes Project 0.00240.

Submissions (8):

Labcorp Genetics (formerly Invitae), Labcorp
Classification: Likely benign. Last evaluated: 2026-01-27. Review status: criteria provided, single submitter. Criteria: Invitae Variant Classification Sherloc (09022015). Collection method: clinical testing. Allele origin: germline.

Mayo Clinic Laboratories, Mayo Clinic
Classification: Likely benign. Last evaluated: 2025-05-19. Review status: criteria provided, single submitter. Criteria: ACMG Guidelines, 2015. Collection method: clinical testing. Allele origin: germline. Observed: 2 variant alleles.
Comment: BS1, BP4

Blueprint Genetics
Classification: Uncertain significance. Last evaluated: 2024-05-03. Review status: criteria provided, single submitter. Criteria: ACMG Guidelines, 2015. Collection method: clinical testing. Allele origin: germline.

GeneDx
Classification: Uncertain significance. Last evaluated: 2021-06-23. Review status: criteria provided, single submitter. Criteria: GeneDx Variant Classification Process June 2021. Collection method: clinical testing. Allele origin: germline. Affected: yes.
Comment: Has not been previously published as pathogenic or benign to our knowledge; In silico analysis supports that this missense variant has a deleterious effect on protein structure/function; This variant is associated with the following publications: (PMID: 27535533)

PreventionGenetics, part of Exact Sciences
Classification: Likely benign for FDX2-related condition. Last evaluated: 2023-04-26. Review status: no assertion criteria provided. Collection method: clinical testing. Allele origin: germline. Not counted in ClinVar's aggregate classification.
Comment: This variant is classified as likely benign based on ACMG/AMP sequence variant interpretation guidelines (Richards et al. 2015 PMID: 25741868, with internal and published modifications).

Dr. Peter K. Rogan Lab, Western University
No classification provided (evidence only). Condition: Colon adenocarcinoma. Review status: no classification provided. Collection method: in vitro. Allele origin: not applicable. Functional consequence: skipped exon. Not counted in ClinVar's aggregate classification.

Dr. Peter K. Rogan Lab, Western University
No classification provided (evidence only). Condition: Uterine corpus endometrial carcinoma. Review status: no classification provided. Collection method: in vitro. Allele origin: not applicable. Functional consequence: skipped exon. Not counted in ClinVar's aggregate classification.

Dr. Peter K. Rogan Lab, Western University
No classification provided (evidence only). Condition: Uterine corpus endometrial carcinoma. Review status: no classification provided. Collection method: in vitro. Allele origin: not applicable. Functional consequence: skipped exon, retained intron. Not counted in ClinVar's aggregate classification.